The following is an entry in ClinVar:

NM_018713.3(SLC30A10):c.1403A>G (p.Gln468Arg)

Gene: SLC30A10 (solute carrier family 30 member 10; minus strand). Cytogenetic location: 1q41.
Variant type: single nucleotide variant.
Coding change: c.1403A>G on transcript NM_018713.3 (MANE Select); coding-DNA position 1403, A replaced by G.
Protein change: p.Gln468Arg; replaces glutamine 468 with arginine.
Molecular consequence: missense variant. On other transcripts: non-coding transcript variant (2).
Genome position (GRCh38, 1-based): chr1:219,915,504, T>C on the plus strand (A>G on the coding strand, the complement: SLC30A10 is on the minus strand). VCF-style: chr1-219915504-T-C. GRCh37 (hg19) VCF-style: chr1-220088846-T-C.
Other names: c.1214A>G, p.Gln405Arg (NM_001376929.1); c.1403A>G (NM_018713.2); short protein forms Q405R, Q468R.
Identifiers: ClinVar variation 2158592 (VCV002158592.5), dbSNP rs369343170, ClinGen allele CA1399112.

ClinVar aggregate classification (germline): Uncertain significance. Review status: criteria provided, multiple submitters, no conflicts (2 of 4 stars). 2 submissions from 2 submitters: Uncertain significance (2). Last evaluated 2024-12-03.

Conditions:
Inborn genetic diseases. Identifiers: MedGen C0950123, MeSH D030342.

Allele frequency attached by ClinVar (database versions not stated): gnomAD exomes below 0.00001; ExAC 0.00003; gnomAD 0.00004; TOPMed 0.00006; ESP Exome Variant Server 0.00015.
gnomAD v4.1: 11 of 1,614,138 alleles (0.00068%); highest among the groups gnomAD compares: African/African-American, 0.013%; no homozygotes.

Submissions (2):

Ambry Genetics
Classification: Uncertain significance for Inborn genetic diseases. Last evaluated: 2024-12-03. Review status: criteria provided, single submitter. Criteria: Ambry Variant Classification Scheme 2023. Collection method: clinical testing. Allele origin: germline.

Labcorp Genetics (formerly Invitae), Labcorp
Classification: Uncertain significance. Last evaluated: 2022-09-27. Review status: criteria provided, single submitter. Criteria: Invitae Variant Classification Sherloc (09022015). Collection method: clinical testing. Allele origin: germline.
Comment: This sequence change replaces glutamine, which is neutral and polar, with arginine, which is basic and polar, at codon 468 of the SLC30A10 protein (p.Gln468Arg). This variant is present in population databases (rs369343170, gnomAD 0.02%). This variant has not been reported in the literature in individuals affected with SLC30A10-related conditions. Algorithms developed to predict the effect of missense changes on protein structure and function are either unavailable or do not agree on the potential impact of this missense change (SIFT: "Deleterious"; PolyPhen-2: "Benign"; Align-GVGD: "Class C0"). In summary, the available evidence is currently insufficient to determine the role of this variant in disease. Therefore, it has been classified as a Variant of Uncertain Significance.